The following is an entry in ClinVar:

NM_004656.4(BAP1):c.2042T>A (p.Met681Lys)

Gene: BAP1 (BRCA1 associated deubiquitinase 1; minus strand). Cytogenetic location: 3p21.1.
Variant type: single nucleotide variant.
Coding change: c.2042T>A on transcript NM_004656.4 (MANE Select); coding-DNA position 2042, T replaced by A.
Protein change: p.Met681Lys; replaces methionine 681 with lysine.
Molecular consequence: missense variant.
Genome position (GRCh38, 1-based): chr3:52,402,616, A>T on the plus strand (T>A on the coding strand, the complement: BAP1 is on the minus strand). VCF-style: chr3-52402616-A-T. GRCh37 (hg19) VCF-style: chr3-52436632-A-T.
Other names: c.1988T>A, p.Met663Lys (NM_001410772.1); short protein forms M663K, M681K.
Identifiers: ClinVar variation 5032748 (VCV005032748.1).

ClinVar aggregate classification (germline): Uncertain significance (1 of 4 stars; one submission).

Conditions:
Hereditary cancer-predisposing syndrome. Also called: Neoplastic Syndromes, Hereditary; Tumor predisposition; Hereditary neoplastic syndrome; Hereditary Cancer Syndrome. Identifiers: Orphanet 140162, MedGen C0027672, MeSH D009386, MONDO:0015356.

Submission:

Ambry Genetics
Classification: Uncertain significance for Hereditary cancer-predisposing syndrome. Last evaluated: 2026-08-08. Review status: criteria provided, single submitter. Criteria: Ambry Variant Classification Scheme 2023. Collection method: clinical testing. Allele origin: germline.
Comment: The p.M681K variant (also known as c.2042T>A), located in coding exon 16 of the BAP1 gene, results from a T to A substitution at nucleotide position 2042. The methionine at codon 681 is replaced by lysine, an amino acid with similar properties. This amino acid position is conserved. In addition, this alteration is predicted to be deleterious by in silico analysis. Based on the available evidence, the clinical significance of this variant remains unclear.